The following is an entry in ClinVar:

NM_000214.3(JAG1):c.876C>T (p.Leu292=)

Gene: JAG1 (jagged canonical Notch ligand 1; minus strand). Cytogenetic location: 20p12.2.
Variant type: single nucleotide variant.
Coding change: c.876C>T on transcript NM_000214.3 (MANE Select); coding-DNA position 876, C replaced by T.
Protein change: p.Leu292=; no amino-acid change (leucine 292 retained).
Molecular consequence: synonymous variant.
Genome position (GRCh38, 1-based): chr20:10,652,478, G>A on the plus strand (C>T on the coding strand, the complement: JAG1 is on the minus strand). VCF-style: chr20-10652478-G-A. GRCh37 (hg19) VCF-style: chr20-10633126-G-A.
Identifiers: ClinVar variation 3573390 (VCV003573390.2).
Genomic context (GRCh38, chr20:10,652,478, plus strand): 5'-GCCATCCCACCCCCAGATCCCACCCTGGGTCTCATCCCTAAGGGCCATACCTTTGTCACA[G>A]AGCTGGCCGCCCCAGTTGGTCTCACAGAGGCACTGCCAGGGCTCATTACAGATGCCGTGG-3'
Protein context (NP_000205.1, residues 282-302): CLCETNWGGQ[Leu292=]CDKDLNYCGT

Conditions:
Arteriohepatic dysplasia. Also called: Alagille Syndrome. Identifiers: Orphanet 52, MedGen C0085280, MeSH D016738, MONDO:0007318.

Submission:

Gilbert/Spinner Lab, Children's Hospital of Philadelphia
No classification provided (evidence only). Condition: Alagille syndrome. Review status: no classification provided. Collection method: research. Allele origin: not applicable. Functional consequence: functionally_abnormal.
ClinVar note: "not provided" was previously submitted as the classification for the variant. However, the classification appeared to be based only on an observation of functional data so it was converted to no classification on 2025-07-30.